The following is an entry in ClinVar:

NM_018418.5(SPATA7):c.82A>G (p.Thr28Ala)

Gene: SPATA7 (spermatogenesis associated 7; plus strand). Cytogenetic location: 14q31.3.
Variant type: single nucleotide variant.
Coding change: c.82A>G on transcript NM_018418.5 (MANE Select); coding-DNA position 82, A replaced by G.
Protein change: p.Thr28Ala; replaces threonine 28 with alanine.
Molecular consequence: missense variant.
Genome position (GRCh38, 1-based): chr14:88,391,443, A>G. VCF-style: chr14-88391443-A-G. GRCh37 (hg19) VCF-style: chr14-88857787-A-G.
Other names: c.82A>G, p.Thr28Ala (NM_001040428.4); short protein forms T28A.
Identifiers: ClinVar variation 1926739 (VCV001926739.5), dbSNP rs2504079076, ClinGen allele CA390545369.

ClinVar aggregate classification (germline): Uncertain significance (1 of 4 stars; one submission).

Conditions:
Leber congenital amaurosis 3 (LCA3). Also called: SPATA7-Related Retinitis Pigmentosa. Identifiers: MedGen C1858677, MONDO:0011415, OMIM 604232.

Submission:

Labcorp Genetics (formerly Invitae), Labcorp
Classification: Uncertain significance for Leber congenital amaurosis 3. Last evaluated: 2022-07-13. Review status: criteria provided, single submitter. Criteria: Invitae Variant Classification Sherloc (09022015). Collection method: clinical testing. Allele origin: germline.
Comment: This sequence change replaces threonine, which is neutral and polar, with alanine, which is neutral and non-polar, at codon 28 of the SPATA7 protein (p.Thr28Ala). This variant is not present in population databases (gnomAD no frequency). This variant has not been reported in the literature in individuals affected with SPATA7-related conditions. Algorithms developed to predict the effect of missense changes on protein structure and function are either unavailable or do not agree on the potential impact of this missense change (SIFT: "Deleterious"; PolyPhen-2: "Probably Damaging"; Align-GVGD: "Class C0"). In summary, the available evidence is currently insufficient to determine the role of this variant in disease. Therefore, it has been classified as a Variant of Uncertain Significance.